The following is an entry in ClinVar:

NM_006516.4(SLC2A1):c.1372C>T (p.Arg458Trp)

Gene: SLC2A1 (solute carrier family 2 member 1; minus strand). Cytogenetic location: 1p34.2.
Variant type: single nucleotide variant.
Coding change: c.1372C>T on transcript NM_006516.4 (MANE Select); coding-DNA position 1372, C replaced by T.
Protein change: p.Arg458Trp; replaces arginine 458 with tryptophan.
Molecular consequence: missense variant.
Genome position (GRCh38, 1-based): chr1:42,927,148, G>A on the plus strand (C>T on the coding strand, the complement: SLC2A1 is on the minus strand). VCF-style: chr1-42927148-G-A. GRCh37 (hg19) VCF-style: chr1-43392819-G-A.
Other names: short protein forms R458W.
Identifiers: ClinVar variation 96708 (VCV000096708.14), dbSNP rs13306758, ClinGen allele CA019067.
Genomic context (GRCh38, chr1:42,927,148, plus strand): 5'-TCTTGTCACTTTGGCTGGCTCCCCCCTGCCGGAAGCCGGAAGCGATCTCATCGAAGGTCC[G>A]GCCTTTAGTCTCAGGAACTTTGAAGTAGGTGAAGATGAAGAACAGAACCAGGAGCACAGT-3'
Protein context (NP_006507.2, residues 448-468): TYFKVPETKG[Arg458Trp]TFDEIASGFR

ClinVar aggregate classification (germline): Pathogenic/Likely pathogenic. Review status: criteria provided, multiple submitters, no conflicts (2 of 4 stars). 6 submissions from 6 submitters: Pathogenic (3); Likely pathogenic (2). 1 of the submissions does not count toward it. Last evaluated 2026-01-22.

Conditions:
Dystonia 9 (DYT9). Also called: CHOREOATHETOSIS, KINESIGENIC, WITH EPISODIC ATAXIA AND SPASTICITY. Identifiers: Orphanet 53583, MedGen C1832855, MONDO:0010983, OMIM 601042.
Epilepsy, idiopathic generalized, susceptibility to, 12 (EIG12). Identifiers: MedGen C3553859, MONDO:0013919, OMIM 614847.
Hereditary cryohydrocytosis with reduced stomatin. Also called: Stomatin-deficient cryohydrocytosis with neurologic defects; GLUT1 DEFICIENCY SYNDROME WITH PSEUDOHYPERKALEMIA AND HEMOLYSIS. Identifiers: Orphanet 168577, MedGen C1837206, MONDO:0012143, OMIM 608885.
Encephalopathy due to GLUT1 deficiency. Also called: GLUCOSE TRANSPORT DEFECT, BLOOD-BRAIN BARRIER; Glucose transporter protein syndrome; GLUT1 deficiency syndrome 1, infantile onset, severe; GLUT1 deficiency syndrome 1; Classic Glucose Transporter Type 1 Deficiency Syndrome; De Vivo disease. Identifiers: Orphanet 71277, MedGen C4551966, MONDO:0011724, OMIM 606777.
Childhood onset GLUT1 deficiency syndrome 2. Also called: Paroxysmal exercise-induced dystonia; PAROXYSMAL EXERCISE-INDUCED DYSKINESIA WITH OR WITHOUT EPILEPSY AND/OR HEMOLYTIC ANEMIA; PAROXYSMAL EXERTION-INDUCED DYSTONIA WITH OR WITHOUT EPILEPSY AND/OR HEMOLYTIC ANEMIA; PED WITH OR WITHOUT EPILEPSY AND/OR HEMOLYTIC ANEMIA; GLUT1 deficiency syndrome 2; PxMD-SLC2A1. Identifiers: Orphanet 98811, MedGen C1842534, MONDO:0012805, OMIM 612126.
GLUT1 deficiency syndrome 1, autosomal recessive. Identifiers: MedGen C3149117.

gnomAD v4.1: 2 of 1,614,122 alleles (0.00012%); highest among the groups gnomAD compares: Middle Eastern, 0.016%; no homozygotes.

Submissions (6):

Labcorp Genetics (formerly Invitae), Labcorp
Classification: Pathogenic for GLUT1 deficiency syndrome 1, autosomal recessive. Last evaluated: 2026-01-22. Review status: criteria provided, single submitter. Criteria: Invitae Variant Classification Sherloc (09022015). Collection method: clinical testing. Allele origin: germline.
Comment: This sequence change replaces arginine, which is basic and polar, with tryptophan, which is neutral and slightly polar, at codon 458 of the SLC2A1 protein (p.Arg458Trp). This variant is not present in population databases (gnomAD no frequency). This missense change has been observed in individuals with generalized epilepsy (PMID: 23280796, 23340081, 28116237). It has also been observed to segregate with disease in related individuals. ClinVar contains an entry for this variant (Variation ID: 96708). Invitae Evidence Modeling of protein sequence and biophysical properties (such as structural, functional, and spatial information, amino acid conservation, physicochemical variation, residue mobility, and thermodynamic stability) indicates that this missense variant is expected to disrupt SLC2A1 protein function with a positive predictive value of 95%. Experimental studies have shown that this missense change affects SLC2A1 function (PMID: 23280796). For these reasons, this variant has been classified as Pathogenic.

Women's Health and Genetics/Laboratory Corporation of America, LabCorp
Classification: Pathogenic for Encephalopathy due to GLUT1 deficiency. Last evaluated: 2025-09-04. Review status: criteria provided, single submitter. Criteria: LabCorp Variant Classification Summary - May 2015. Collection method: clinical testing. Allele origin: germline.
Comment: Variant summary: SLC2A1 c.1372C>T (p.Arg458Trp) results in a non-conservative amino acid change in the encoded protein sequence. Algorithms developed to predict the effect of missense changes on protein structure and function all suggest that this variant is likely to be disruptive. The variant was absent in 250510 control chromosomes. c.1372C>T has been observed in individuals affected with GLUT1 Deficiency Syndrome 1 (Arsov_2012, Vaudano_2017). These data indicate that the variant is likely to be associated with disease. Two publications report experimental evidence evaluating an impact on protein function (Arsov_2012, Zaman_2018). The most pronounced variant effect results in significantly reduced transport activity. The following publications have been ascertained in the context of this evaluation (PMID: 23280796, 28116237, 30588498). ClinVar contains an entry for this variant (Variation ID: 96708). Based on the evidence outlined above, the variant was classified as pathogenic.

GeneDx
Classification: Pathogenic. Last evaluated: 2025-07-16. Review status: criteria provided, single submitter. Criteria: GeneDx Variant Classification Process June 2021. Collection method: clinical testing. Allele origin: germline. Affected: yes.
Comment: Not observed in large population cohorts (gnomAD); In silico analysis supports that this missense variant has a deleterious effect on protein structure/function; This variant is associated with the following publications: (PMID: 23340081, 23280796, 28717674, 30588498, 30714351, 31440721, 28116237, 36362347, 25564316, 29303961, 30895386, 27779742, 31710770)

Genome-Nilou Lab
Classification: Likely pathogenic for Encephalopathy due to GLUT1 deficiency. Last evaluated: 2023-04-11. Review status: criteria provided, single submitter. Criteria: ACMG Guidelines, 2015. Collection method: clinical testing. Allele origin: germline. Affected: no.

Fulgent Genetics
Classification: Likely pathogenic for Dystonia 9; Encephalopathy due to GLUT1 deficiency; Hereditary cryohydrocytosis with reduced stomatin; Childhood onset GLUT1 deficiency syndrome 2; Epilepsy, idiopathic generalized, susceptibility to, 12. Last evaluated: 2018-10-31. Review status: criteria provided, single submitter. Criteria: ACMG Guidelines, 2015. Collection method: clinical testing. Allele origin: unknown.

OMIM
Classification: risk factor for EPILEPSY, IDIOPATHIC GENERALIZED, SUSCEPTIBILITY TO, 12. Last evaluated: 2012-11-01. Review status: no assertion criteria provided. Collection method: literature only. Allele origin: germline. Not counted in ClinVar's aggregate classification.

Literature cited by the submitters: PubMed 23280796 (cited by 3 submitters); PubMed 23340081 (cited by Labcorp Genetics (formerly Invitae), Labcorp); PubMed 28116237 (cited by Labcorp Genetics (formerly Invitae), Labcorp and Women's Health and Genetics/Laboratory Corporation of America, LabCorp); PubMed 30588498 (cited by Women's Health and Genetics/Laboratory Corporation of America, LabCorp).